The following is an entry in ClinVar:

NM_001367561.1(DOCK7):c.783del (p.Phe261fs)

Gene: DOCK7 (dedicator of cytokinesis 7; minus strand). Cytogenetic location: 1p31.3.
Variant type: Deletion.
Coding change: c.783del on transcript NM_001367561.1 (MANE Select); coding-DNA position 783, one base deleted (T; older notation c.783delT).
Protein change: p.Phe261fs; shifts the reading frame from phenylalanine 261.
Molecular consequence: frameshift variant.
Genome position (GRCh38, 1-based): chr1:62,647,726, A deleted on the plus strand (T on the coding strand, the reverse complement: DOCK7 is on the minus strand); the first of 4 consecutive A bases (chr1:62,647,726-62,647,729); deleting any one gives the same sequence. VCF-style (leftmost placement, unchanged base first): chr1-62647725-CA-C. GRCh37 (hg19) VCF-style: chr1-63113396-CA-C.
Other names: c.783del, p.Phe261fs (NM_001271999.2, NM_001272000.2, NM_001272001.2 and 3 more transcripts); c.783delT (NM_001271999.1); short protein forms F261fs.
Identifiers: ClinVar variation 581758 (VCV000581758.7), dbSNP rs1557855477, ClinGen allele CA891842445.

ClinVar aggregate classification (germline): Pathogenic (1 of 4 stars; one submission).

Conditions:
Developmental and epileptic encephalopathy, 23 (DEE23). Also called: Epileptic encephalopathy, early infantile, 23. Identifiers: Orphanet 411986, MedGen C4014492, MONDO:0014371, OMIM 615859.

Submission:

Labcorp Genetics (formerly Invitae), Labcorp
Classification: Pathogenic for Developmental and epileptic encephalopathy, 23. Last evaluated: 2020-01-24. Review status: criteria provided, single submitter. Criteria: Invitae Variant Classification Sherloc (09022015). Collection method: clinical testing. Allele origin: germline.
Comment: This variant has not been reported in the literature in individuals with DOCK7-related conditions. ClinVar contains an entry for this variant (Variation ID: 581758). This variant is not present in population databases (ExAC no frequency). This sequence change creates a premature translational stop signal (p.Phe261Leufs*7) in the DOCK7 gene. It is expected to result in an absent or disrupted protein product. Loss-of-function variants in DOCK7 are known to be pathogenic (PMID: 24814191). For these reasons, this variant has been classified as Pathogenic.

Literature cited by the submitters: PubMed 24814191.